The following is an entry in ClinVar:

ClinVar aggregate classification (germline): Pathogenic/Likely pathogenic. Review status: criteria provided, multiple submitters, no conflicts (2 of 4 stars). 2 submissions from 2 submitters: Pathogenic (1); Likely pathogenic (1). Last evaluated 2024-01-11.

Conditions:
Developmental and epileptic encephalopathy, 2 (DEE2). Also called: INFANTILE SPASM SYNDROME, X-LINKED 2; CDKL5 deficiency disorder. Identifiers: Orphanet 1934, Orphanet 3451, Orphanet 505652, MedGen C4750718, MONDO:0010396, OMIM 300672.
West syndrome. Also called: Infantile epileptic spasms syndrome. Identifiers: Orphanet 3451, Orphanet 697160, MedGen C0037769, MONDO:0018097. Disease mechanism: loss of function.

Submissions (2):

Unidad de Genómica Garrahan, Hospital de Pediatría Garrahan
Classification: Likely pathogenic for West syndrome. Last evaluated: 2024-01-11. Review status: criteria provided, single submitter. Criteria: ACMG Guidelines, 2015. Collection method: clinical testing. Allele origin: germline. Affected: yes.

3billion
Classification: Pathogenic for Developmental and epileptic encephalopathy, 2. Last evaluated: 2023-11-03. Review status: criteria provided, single submitter. Criteria: ACMG Guidelines, 2015. Collection method: clinical testing. Allele origin: germline. Affected: yes.
Comment: The variant is not observed in the gnomAD v2.1.1 dataset. Predicted Consequence/Location: Canonical splice site: predicted to alter splicing and result in a loss or disruption of normal protein function. Multiple pathogenic loss-of-function variants are reported downstream of the variant. The variant has been reported to be associated with CDKL5 related disorder (PMID: 29264392). Therefore, this variant is classified as Pathogenic according to the recommendation of ACMG/AMP guideline.

Literature cited by the submitters: PubMed 29264392 (cited by 3billion).

NM_001323289.2(CDKL5):c.404-1G>C

Gene: CDKL5 (cyclin dependent kinase like 5; plus strand). Cytogenetic location: Xp22.13.
Variant type: single nucleotide variant.
Coding change: c.404-1G>C on transcript NM_001323289.2 (MANE Select); the canonical splice acceptor site of the intron before coding-DNA position 404, G replaced by C.
Molecular consequence: splice acceptor variant.
Genome position (GRCh38, 1-based): chrX:18,581,890, G>C. VCF-style: chrX-18581890-G-C. GRCh37 (hg19) VCF-style: chrX-18600010-G-C.
Other names: c.404-1G>C (NM_003159.3, NM_001037343.2).
Identifiers: ClinVar variation 2687750 (VCV002687750.2), dbSNP rs267608474, ClinGen allele CA412350699.
Genomic context (GRCh38, chrX:18,581,890, plus strand): 5'-AGTGTCAATCAGGAGAACATAGAACATTTTTACTAATTTTTTTTTTATCTTGACACTCCA[G>C]ATATAAAACCAGAAAATCTCTTAATCAGCCACAATGATGTCCTAAAACTGTGTGACTTTG-3'